The following is an entry in ClinVar:

ClinVar aggregate classification (germline): Pathogenic (1 of 4 stars; one submission).

Conditions:
Sulfite oxidase deficiency due to molybdenum cofactor deficiency type C. Also called: Molybdenum cofactor deficiency, complementation group C; Molybdenum cofactor deficiency C. Identifiers: Orphanet 308400, Orphanet 833, MedGen C1854990, MONDO:0014212, OMIM 615501.

Submission:

Labcorp Genetics (formerly Invitae), Labcorp
Classification: Pathogenic for Sulfite oxidase deficiency due to molybdenum cofactor deficiency type C. Last evaluated: 2024-01-19. Review status: criteria provided, single submitter. Criteria: Invitae Variant Classification Sherloc (09022015). Collection method: clinical testing. Allele origin: unknown.
Comment: This variant is a gross deletion of the genomic region encompassing exon(s) 1-4 of the GPHN gene, which includes the initiator codon. This deletion extends beyond the assayed region for this gene and therefore may encompass additional genes. It is expected to result in an absent or disrupted protein product. Loss-of-function variants in GPHN are known to be pathogenic (PMID: 11095995, 23184456, 23393157, 24561070, 26613940). This variant has not been reported in the literature in individuals affected with GPHN-related conditions. For these reasons, this variant has been classified as Pathogenic.

Literature cited by the submitters: PubMed 11095995; PubMed 23184456; PubMed 23393157; PubMed 24561070; PubMed 26613940.

NC_000014.8:g.(?_66975246)_(67291304_?)del

Gene: GPHN (gephyrin; plus strand). Cytogenetic location: 14q23.3.
Variant type: Deletion.
Identifiers: ClinVar variation 3243988 (VCV003243988.1).